The following is an entry in ClinVar:

ClinVar aggregate classification (germline): Uncertain significance (1 of 4 stars; one submission).

Conditions:
Epidermolysis bullosa simplex with nail dystrophy (EBS5D). Identifiers: MedGen C4225309, MONDO:0014661, OMIM 616487.
Epidermolysis bullosa simplex, Ogna type (EBS5A). Also called: Pidermolysis bullosa simplex 5A, Ogna type; EPIDERMOLYSIS BULLOSA SIMPLEX 5A, OGNA TYPE. Identifiers: Orphanet 79401, MedGen C0432317, MONDO:0007555, OMIM 131950.
Autosomal recessive limb-girdle muscular dystrophy type 2Q (LGMDR17). Also called: MUSCULAR DYSTROPHY, LIMB-GIRDLE, AUTOSOMAL RECESSIVE 17. Identifiers: Orphanet 254361, MedGen C3150989, MONDO:0013390, OMIM 613723.
Epidermolysis bullosa simplex 5B, with muscular dystrophy (EBS5B). Also called: EPIDERMOLYSIS BULLOSA SIMPLEX AND LIMB-GIRDLE MUSCULAR DYSTROPHY; Epidermolysis bullosa simplex with muscular dystrophy. Identifiers: Orphanet 257, MedGen C2931072, MONDO:0009181, OMIM 226670.
Epidermolysis bullosa simplex 5C, with pyloric atresia (EBS5C). Also called: PLEC-Related Epidermolysis Bullosa with Pyloric Atresia; Epidermolysis bullosa simplex with pyloric atresia; PLEC1-Related Epidermolysis Bullosa with Pyloric Atresia. Identifiers: Orphanet 158684, MedGen C2677349, MONDO:0012807, OMIM 612138.

gnomAD v4.1: 19 of 1,589,632 alleles (0.0012%); highest among the groups gnomAD compares: East Asian, 0.0022%; no homozygotes.

Submission:

Labcorp Genetics (formerly Invitae), Labcorp
Classification: Uncertain significance for Autosomal recessive limb-girdle muscular dystrophy type 2Q; Epidermolysis bullosa simplex, Ogna type; Epidermolysis bullosa simplex with nail dystrophy; Epidermolysis bullosa simplex 5C, with pyloric atresia; Epidermolysis bullosa simplex 5B, with muscular dystrophy. Last evaluated: 2025-09-13. Review status: criteria provided, single submitter. Criteria: Invitae Variant Classification Sherloc (09022015). Collection method: clinical testing. Allele origin: germline.
Comment: This sequence change replaces alanine, which is neutral and non-polar, with valine, which is neutral and non-polar, at codon 1413 of the PLEC protein (p.Ala1413Val). The frequency data for this variant in the population databases is considered unreliable, as metrics indicate poor data quality at this position in the gnomAD database. This variant has not been reported in the literature in individuals affected with PLEC-related conditions. ClinVar contains an entry for this variant (Variation ID: 3751937). Experimental studies and prediction algorithms are not available or were not evaluated, and the functional significance of this variant is currently unknown. In summary, the available evidence is currently insufficient to determine the role of this variant in disease. Therefore, it has been classified as a Variant of Uncertain Significance.

NM_201384.3(PLEC):c.4157C>T (p.Ala1386Val)

Gene: PLEC (plectin; minus strand). Cytogenetic location: 8q24.3.
Variant type: single nucleotide variant.
Coding change: c.4157C>T on transcript NM_201384.3 (MANE Select); coding-DNA position 4157, C replaced by T.
Protein change: p.Ala1386Val; replaces alanine 1386 with valine.
Molecular consequence: missense variant. On other transcripts: intron variant (1).
Genome position (GRCh38, 1-based): chr8:143,925,772, G>A on the plus strand (C>T on the coding strand, the complement: PLEC is on the minus strand). VCF-style: chr8-143925772-G-A. GRCh37 (hg19) VCF-style: chr8-144999940-G-A.
Other names: c.4238C>T, p.Ala1413Val (NM_000445.5); c.4115C>T, p.Ala1372Val (NM_201378.4); c.4091C>T, p.Ala1364Val (NM_201379.3); c.4568C>T, p.Ala1523Val (NM_201380.4); c.4061C>T, p.Ala1354Val (NM_201381.3); c.4157C>T, p.Ala1386Val (NM_201382.4); c.4169C>T, p.Ala1390Val (NM_201383.3); c.4125+1012C>T (NM_001410941.1); short protein forms A1354V, A1364V, A1372V, A1386V, A1390V, A1413V, A1523V.
Identifiers: ClinVar variation 3751937 (VCV003751937.2).
Genomic context (GRCh38, chr8:143,925,772, plus strand): 5'-TCCTCCCGCCGCACCACCTCCTCCTGCATGCGCTGCTGCAGCTCCTTCGCCTCCCGCTCC[G>A]CCTGTGCCTTTGCCTGGGCGTGCGCCTCGGCCAGCTGCCGCTGCTTCTCCAGCGCGGCCT-3'
Protein context (NP_958786.1, residues 1376-1396): AEAHAQAKAQ[Ala1386Val]EREAKELQQR